The following is an entry in ClinVar:

ClinVar aggregate classification (germline): Uncertain significance (1 of 4 stars; one submission).

Conditions:
Werner syndrome (WRN). Identifiers: Orphanet 902, MedGen C0043119, MONDO:0010196, OMIM 277700.

Submission:

Labcorp Genetics (formerly Invitae), Labcorp
Classification: Uncertain significance for Werner syndrome. Last evaluated: 2020-06-02. Review status: criteria provided, single submitter. Criteria: Invitae Variant Classification Sherloc (09022015). Collection method: clinical testing. Allele origin: germline.
Comment: This sequence change replaces arginine with serine at codon 809 of the WRN protein (p.Arg809Ser). The arginine residue is moderately conserved and there is a moderate physicochemical difference between arginine and serine. This variant is not present in population databases (ExAC no frequency). This variant has not been reported in the literature in individuals with WRN-related conditions. Algorithms developed to predict the effect of missense changes on protein structure and function output the following: SIFT: "Not Available"; PolyPhen-2: "Benign"; Align-GVGD: "Not Available". The serine amino acid residue is found in multiple mammalian species, suggesting that this missense change does not adversely affect protein function. These predictions have not been confirmed by published functional studies and their clinical significance is uncertain. In summary, the available evidence is currently insufficient to determine the role of this variant in disease. Therefore, it has been classified as a Variant of Uncertain Significance.

NM_000553.6(WRN):c.2427G>T (p.Arg809Ser)

Gene: WRN (WRN RecQ like helicase; plus strand). Cytogenetic location: 8p12.
Variant type: single nucleotide variant.
Coding change: c.2427G>T on transcript NM_000553.6 (MANE Select); coding-DNA position 2427, G replaced by T.
Protein change: p.Arg809Ser; replaces arginine 809 with serine.
Molecular consequence: missense variant.
Genome position (GRCh38, 1-based): chr8:31,116,507, G>T. VCF-style: chr8-31116507-G-T. GRCh37 (hg19) VCF-style: chr8-30974023-G-T.
Other names: short protein forms R809S.
Identifiers: ClinVar variation 1042351 (VCV001042351.3), dbSNP rs1801528992, ClinGen allele CA370914021.
Genomic context (GRCh38, chr8:31,116,507, plus strand): 5'-ATCCTGTGGAACATACCATGCGGGCATGAGTTTTAGCACAAGGAAAGACATTCATCATAG[G>T]TTTGTAAGAGATGAAATTCAGGTATGAGGATCAATCATCATTGCTCTCCGTTGCTCATAG-3'
Protein context (NP_000544.2, residues 799-819): SFSTRKDIHH[Arg809Ser]FVRDEIQCVI